The following is an entry in ClinVar:

NM_004963.4(GUCY2C):c.1348G>A (p.Ala450Thr)

Gene: GUCY2C (guanylate cyclase 2C; minus strand). Cytogenetic location: 12p12.3.
Variant type: single nucleotide variant.
Coding change: c.1348G>A on transcript NM_004963.4 (MANE Select); coding-DNA position 1348, G replaced by A.
Protein change: p.Ala450Thr; replaces alanine 450 with threonine.
Molecular consequence: missense variant.
Genome position (GRCh38, 1-based): chr12:14,660,997, C>T on the plus strand (G>A on the coding strand, the complement: GUCY2C is on the minus strand). VCF-style: chr12-14660997-C-T. GRCh37 (hg19) VCF-style: chr12-14813931-C-T.
Other names: c.1348G>A (NM_004963.3); short protein forms A450T.
Identifiers: ClinVar variation 3706930 (VCV003706930.3).

ClinVar aggregate classification (germline): Uncertain significance. Review status: criteria provided, multiple submitters, no conflicts (2 of 4 stars). 2 submissions from 2 submitters: Uncertain significance (2). Last evaluated 2025-08-10.

Conditions:
Inborn genetic diseases. Identifiers: MedGen C0950123, MeSH D030342.

gnomAD v4.1: 5 of 1,611,054 alleles (0.00031%); highest among the groups gnomAD compares: Admixed American, 0.0017%; no homozygotes.

Submissions (2):

Ambry Genetics
Classification: Uncertain significance for Inborn genetic diseases. Last evaluated: 2025-08-10. Review status: criteria provided, single submitter. Criteria: Ambry Variant Classification Scheme 2023. Collection method: clinical testing. Allele origin: germline.

Labcorp Genetics (formerly Invitae), Labcorp
Classification: Uncertain significance. Last evaluated: 2025-05-02. Review status: criteria provided, single submitter. Criteria: Invitae Variant Classification Sherloc (09022015). Collection method: clinical testing. Allele origin: germline.
Comment: This sequence change replaces alanine, which is neutral and non-polar, with threonine, which is neutral and polar, at codon 450 of the GUCY2C protein (p.Ala450Thr). This variant is present in population databases (no rsID available, gnomAD 0.003%). This variant has not been reported in the literature in individuals affected with GUCY2C-related conditions. ClinVar contains an entry for this variant (Variation ID: 3706930). Invitae Evidence Modeling of protein sequence and biophysical properties (such as structural, functional, and spatial information, amino acid conservation, physicochemical variation, residue mobility, and thermodynamic stability) indicates that this missense variant is not expected to disrupt GUCY2C protein function with a negative predictive value of 80%. In summary, the available evidence is currently insufficient to determine the role of this variant in disease. Therefore, it has been classified as a Variant of Uncertain Significance.